The following is an entry in ClinVar:

NM_001136193.2(FASTKD2):c.*3593G>A

Gene: FASTKD2 (FAST kinase domains 2; plus strand). Cytogenetic location: 2q33.3.
Variant type: single nucleotide variant.
Coding change: c.*3593G>A on transcript NM_001136193.2 (MANE Select); 3593 bases downstream of the stop codon, G replaced by A.
Molecular consequence: 3 prime UTR variant.
Genome position (GRCh38, 1-based): chr2:206,795,395, G>A. VCF-style: chr2-206795395-G-A. GRCh37 (hg19) VCF-style: chr2-207660119-G-A.
Other names: c.*3593G>A (NM_001136194.2, NM_014929.4).
Identifiers: ClinVar variation 333857 (VCV000333857.5), dbSNP rs150571344, ClinGen allele CA10612206.
Genomic context (GRCh38, chr2:206,795,395, plus strand): 5'-GCCATTCTCCTGCCTCAGCCTCCCGAGTAGCTGGGACTACAGGTGCCCACCTCCATGCCC[G>A]GCTAATTTTTGTATTTTTAGCAGAAACAGGGTTTCACCATGTTAGCCAGGATGGTCTCGA-3'

ClinVar aggregate classification (germline): Likely benign (1 of 4 stars; one submission).

Conditions:
Mitochondrial complex IV deficiency, nuclear type 1 (MC4DN1). Also called: COX DEFICIENCY; Mitochondrial complex IV deficiency; Complex 4 mitochondrial respiratory chain deficiency; Deficiency of mitochondrial respiratory chain complex4; Complex IV deficiency. Identifiers: MedGen C5435656, MONDO:0700250, OMIM 220110. Disease mechanism: loss of function.

Allele frequency attached by ClinVar (database versions not stated): gnomAD 0.00753 and 0.00796; TOPMed 0.00808; 1000 Genomes Project 0.01098; 1000 Genomes Project 30x 0.01124.

Submission:

Illumina Laboratory Services, Illumina
Classification: Likely benign for Mitochondrial complex IV deficiency, nuclear type 1. Last evaluated: 2018-01-13. Review status: criteria provided, single submitter. Criteria: ICSL Variant Classification Criteria 13 December 2019. Collection method: clinical testing. Allele origin: germline.
Comment: This variant was observed in the ICSL laboratory as part of a predisposition screen in an ostensibly healthy population. It had not been previously curated by ICSL or reported in the Human Gene Mutation Database (HGMD: prior to June 1st, 2018), and was therefore a candidate for classification through an automated scoring system. Utilizing variant allele frequency, disease prevalence and penetrance estimates, and inheritance mode, an automated score was calculated to assess if this variant is too frequent to cause the disease. Based on the score and internal cut-off values, a variant classified as likely benign is not then subjected to further curation. The score for this variant resulted in a classification of likely benign for this disease.